The following is an entry in ClinVar:

NM_000552.5(VWF):c.1219A>C (p.Ser407Arg)

Gene: VWF (von Willebrand factor; minus strand). Cytogenetic location: 12p13.31.
Variant type: single nucleotide variant.
Coding change: c.1219A>C on transcript NM_000552.5 (MANE Select); coding-DNA position 1219, A replaced by C.
Protein change: p.Ser407Arg; replaces serine 407 with arginine.
Molecular consequence: missense variant.
Genome position (GRCh38, 1-based): chr12:6,065,211, T>G on the plus strand (A>C on the coding strand, the complement: VWF is on the minus strand). VCF-style: chr12-6065211-T-G. GRCh37 (hg19) VCF-style: chr12-6174377-T-G.
Other names: short protein forms S407R.
Identifiers: ClinVar variation 1676731 (VCV001676731.1), dbSNP rs2136463035, ClinGen allele CA383503105.

ClinVar aggregate classification (germline): Uncertain significance (1 of 4 stars; one submission).

Conditions:
von Willebrand disease type 1 (VWD1). Also called: VWD, TYPE 1; VON WILLEBRAND DISEASE, TYPE I. Identifiers: Orphanet 166078, Orphanet 903, MedGen C1264039, MONDO:0008668, OMIM 193400. Inheritance: autosomal recessive or autosomal dominant.

Allele frequency attached by ClinVar (database versions not stated): gnomAD exomes below 0.00001.
gnomAD v4.1: 1 of 1,614,152 alleles (0.000062%); highest among the groups gnomAD compares: East Asian, 0.0022%; no homozygotes.

Submission:

ISTH-SSC Genomics in Thrombosis and Hemostasis, KU Leuven, Center for Molecular and Vascular Biology
Classification: Uncertain significance for von Willebrand disease type 1. Review status: criteria provided, single submitter. Criteria: ACMG Guidelines, 2015. Collection method: clinical testing. Allele origin: unknown. Affected: yes.
Comment: Submitted to GoldVariant by Kathleen Freson, Center for Molecular and Vascular Biology, Leuven, Belgium

Literature cited by the submitters: PubMed 34355501.